The following is an entry in ClinVar:

ClinVar aggregate classification (germline): Likely pathogenic (1 of 4 stars; one submission).

Conditions:
Hermansky-Pudlak syndrome (HPS). Also called: ALBINISM WITH HEMORRHAGIC DIATHESIS AND PIGMENTED RETICULOENDOTHELIAL CELLS. Identifiers: Orphanet 79430, MedGen C0079504, MONDO:0019312.

Submission:

Women's Health and Genetics/Laboratory Corporation of America, LabCorp
Classification: Likely pathogenic for Hermansky-Pudlak syndrome. Last evaluated: 2023-02-24. Review status: criteria provided, single submitter. Criteria: LabCorp Variant Classification Summary - May 2015. Collection method: clinical testing. Allele origin: germline.
Comment: Variant summary: HPS6 c.1931_1953del23 (p.Val644GlyfsX18) results in a premature termination codon, predicted to cause a truncation of the encoded protein or absence of the protein due to nonsense mediated decay, which are commonly known mechanisms for disease. Truncations downstream of this position have been classified as pathogenic by our laboratory and in ClinVar. The variant was absent in 249706 control chromosomes (gnomAD). To our knowledge, no occurrence of c.1931_1953del23 in individuals affected with Hermansky-Pudlak Syndrome and no experimental evidence demonstrating its impact on protein function have been reported. No clinical diagnostic laboratories have submitted clinical-significance assessments for this variant to ClinVar after 2014. Based on the evidence outlined above, the variant was classified as likely pathogenic.

NM_024747.6(HPS6):c.1931_1953del (p.Val644fs)

Gene: HPS6 (HPS6 biogenesis of lysosomal organelles complex 2 subunit 3; plus strand). Cytogenetic location: 10q24.32.
Variant type: Deletion.
Coding change: c.1931_1953del on transcript NM_024747.6 (MANE Select); coding-DNA positions 1931 to 1953, 23 bases deleted (TGCAAAAGGAACAATGGGATCGG).
Protein change: p.Val644fs; shifts the reading frame from valine 644.
Molecular consequence: frameshift variant.
Genome position (GRCh38, 1-based): chr10:102,067,405-102,067,427, TGCAAAAGGAACAATGGGATCGG deleted; deleting any 23 consecutive bases within chr10:102,067,403-102,067,427 gives the same sequence; the c. name uses the placement nearest the transcript's 3' end. VCF-style (leftmost placement, unchanged base first): chr10-102067402-TGGTGCAAAAGGAACAATGGGATC-T. GRCh37 (hg19) VCF-style: chr10-103827159-TGGTGCAAAAGGAACAATGGGATC-T.
Other names: short protein forms V644fs.
Identifiers: ClinVar variation 2445964 (VCV002445964.1), dbSNP rs2540988736, ClinGen allele CA2580081163.